The following is an entry in ClinVar:

ClinVar aggregate classification (germline): Uncertain significance (1 of 4 stars; one submission).

Conditions:
Hereditary cancer-predisposing syndrome. Also called: Neoplastic Syndromes, Hereditary; Hereditary neoplastic syndrome; Tumor predisposition; Hereditary Cancer Syndrome. Identifiers: Orphanet 140162, MedGen C0027672, MeSH D009386, MONDO:0015356.

Submission:

Labcorp Genetics (formerly Invitae), Labcorp
Classification: Uncertain significance for Hereditary cancer-predisposing syndrome. Last evaluated: 2025-03-04. Review status: criteria provided, single submitter. Criteria: Invitae Variant Classification Sherloc (09022015). Collection method: clinical testing. Allele origin: germline.
Comment: This sequence change replaces aspartic acid, which is acidic and polar, with alanine, which is neutral and non-polar, at codon 324 of the RAD50 protein (p.Asp324Ala). This variant is not present in population databases (gnomAD no frequency). This variant has not been reported in the literature in individuals affected with RAD50-related conditions. Invitae Evidence Modeling of protein sequence and biophysical properties (such as structural, functional, and spatial information, amino acid conservation, physicochemical variation, residue mobility, and thermodynamic stability) indicates that this missense variant is not expected to disrupt RAD50 protein function with a negative predictive value of 80%. In summary, the available evidence is currently insufficient to determine the role of this variant in disease. Therefore, it has been classified as a Variant of Uncertain Significance.

NM_005732.4(RAD50):c.971A>C (p.Asp324Ala)

Gene: RAD50 (RAD50 double strand break repair protein; plus strand). Cytogenetic location: 5q31.1.
Variant type: single nucleotide variant.
Coding change: c.971A>C on transcript NM_005732.4 (MANE Select); coding-DNA position 971, A replaced by C.
Protein change: p.Asp324Ala; replaces aspartic acid 324 with alanine.
Molecular consequence: missense variant.
Genome position (GRCh38, 1-based): chr5:132,588,009, A>C. VCF-style: chr5-132588009-A-C. GRCh37 (hg19) VCF-style: chr5-131923701-A-C.
Other names: short protein forms D324A.
Identifiers: ClinVar variation 4761840 (VCV004761840.1).